The following is an entry in ClinVar:

ClinVar aggregate classification (germline): Pathogenic (1 of 4 stars; one submission).

Conditions:
X-linked diffuse leiomyomatosis-Alport syndrome. Also called: ALPORT SYNDROME AND DIFFUSE LEIOMYOMATOSIS; CHROMOSOME Xq22.3 CENTROMERIC DELETION SYNDROME. Identifiers: Orphanet 1018, MedGen C1839884, MONDO:0010641, OMIM 308940.

Submission:

Centre de Génétique Humaine, Institut de Pathologie Et de Génétique
Classification: Pathogenic for X-linked diffuse leiomyomatosis-Alport syndrome. Last evaluated: 2026-06-05. Review status: criteria provided, single submitter. Criteria: ACMG Guidelines, 2015. Collection method: clinical testing. Allele origin: de novo. Inheritance: X-linked dominant inheritance. Affected: yes. Observed: 1 variant allele, 1 hemizygote. Segregation with disease observed.
Comment: Deletion of exons 1 to 29 of COL4A5 gene and exons 1 and 2 of COL4A6 gene, which overlap of an established HI region (2A: 1), CNV de novo in a patient with specific phenotype consistent with the region (5A: 0,45)

NM_033380.3:c.(?_c.-120)_(c.2395+1_2396-1)del

Gene: COL4A5 (collagen type IV alpha 5 chain; plus strand).
Variant type: Deletion.
Other names: c.(?_c.-120)_(c.2395+1_2396-1)del (NM_033380.3).
Identifiers: ClinVar variation 5041983 (VCV005041983.1).